The following is an entry in ClinVar:

NM_000138.5(FBN1):c.1088del (p.Gly363fs)

Genes: FBN1 (fibrillin 1; minus strand), LOC113939944 (Sharpr-MPRA regulatory region 9539; plus strand). Cytogenetic location: 15q21.1.
Variant type: Deletion.
Coding change: c.1088del on transcript NM_000138.5 (MANE Select); coding-DNA position 1088, one base deleted (G; older notation c.1088delG).
Protein change: p.Gly363fs; shifts the reading frame from glycine 363.
Molecular consequence: frameshift variant.
Genome position (GRCh38, 1-based): chr15:48,520,718, C deleted on the plus strand (G on the coding strand, the reverse complement: FBN1 is on the minus strand); the first of 2 consecutive C bases (chr15:48,520,718-48,520,719); deleting either gives the same sequence. VCF-style (leftmost placement, unchanged base first): chr15-48520717-GC-G. GRCh37 (hg19) VCF-style: chr15-48812914-GC-G.
Other names: c.1088delG (NM_000138.4); short protein forms G363fs.
Identifiers: ClinVar variation 495553 (VCV000495553.2), dbSNP rs1555400598, ClinGen allele CA658683888.

ClinVar aggregate classification (germline): Likely pathogenic. Review status: criteria provided, multiple submitters, no conflicts (2 of 4 stars). 2 submissions from 2 submitters: Likely pathogenic (2). Last evaluated 2026-03-04.

Conditions:
Marfan Syndrome/Loeys-Dietz Syndrome/Familial Thoracic Aortic Aneurysms and Dissections. Identifiers: MedGen CN229799.
Marfan syndrome (MFS). Also called: MARFAN SYNDROME, TYPE I; FBN1-Related Marfan Syndrome; Marfan syndrome type 1; Marfan's syndrome; Marfan syndrome, classic. Identifiers: Orphanet 284963, Orphanet 558, MedGen C0024796, MONDO:0007947, OMIM 154700.

Submissions (2):

KardioGenetik, Herz- und Diabeteszentrum NRW
Classification: Likely pathogenic for Marfan syndrome. Last evaluated: 2026-03-04. Review status: criteria provided, single submitter. Criteria: ACMG Guidelines, 2015. Collection method: clinical testing. Allele origin: unknown. Observed: 1 variant allele.
Comment: The pathogenicity of this variant is supported by its absence from population control cohorts in the gnomAD database, as well as by the fact that the deletion of the guanine nucleotide at cDNA position 1088 results in a frameshift with subsequent introduction of a premature stop codon. This leads to haploinsufficiency and is consistent with the known disease mechanism described and curated by the Clinical Genome Resource (ClinGen) for Marfan syndrome–causing truncating FBN1 variants. No confirmatory functional studies are currently available. In the ClinVar database, the variant has been reported once and classified as likely pathogenic. (PVS1, PM2_supporting)

Women's Health and Genetics/Laboratory Corporation of America, LabCorp
Classification: Likely pathogenic for Marfan Syndrome/Loeys-Dietz Syndrome/Familial Thoracic Aortic Aneurysms and Dissections. Last evaluated: 2016-10-21. Review status: criteria provided, single submitter. Criteria: LabCorp Variant Classification Summary - May 2015. Collection method: clinical testing. Allele origin: germline.
Comment: Variant summary: The FBN1 c.1088delG (p.Gly363Alafs) variant results in a premature termination codon, predicted to cause a truncated or absent FBN1 protein due to nonsense mediated decay, which are commonly known mechanisms for disease. Truncations downstream of this position have been classified as pathogenic by our laboratory (e.g. c.1285C>T, p.Arg429X; c.1297dupG, p.Glu433fs). One in silico tool predicts a damaging outcome for this variant. This variant is absent in 121284 control chromosomes and has not, to our knowledge, been reported in affected individuals via publications and/or reputable databases/clinical diagnostic laboratories; nor evaluated for functional impact by in vivo/vitro studies. Taken together, this variant is classified as likely pathogenic.